The following is an entry in ClinVar:

NM_003628.6(PKP4):c.560A>G (p.His187Arg)

Gene: PKP4 (plakophilin 4; plus strand). Cytogenetic location: 2q24.1.
Variant type: single nucleotide variant.
Coding change: c.560A>G on transcript NM_003628.6 (MANE Select); coding-DNA position 560, A replaced by G.
Protein change: p.His187Arg; replaces histidine 187 with arginine.
Molecular consequence: missense variant. On other transcripts: 5 prime UTR variant (1).
Genome position (GRCh38, 1-based): chr2:158,621,378, A>G. VCF-style: chr2-158621378-A-G. GRCh37 (hg19) VCF-style: chr2-159477890-A-G.
Other names: c.560A>G, p.His187Arg (NM_001377226.1, NM_001005476.4, NM_001304969.3 and 6 more transcripts); c.-390A>G (NM_001304970.3); c.554A>G, p.His185Arg (NM_001377222.1, NM_001377223.1, NM_001377224.1); short protein forms H185R, H187R.
Identifiers: ClinVar variation 4862024 (VCV004862024.1).

ClinVar aggregate classification (germline): Uncertain significance (1 of 4 stars; one submission).

gnomAD v4.1: 1 of 1,614,160 alleles (0.000062%); highest among the groups gnomAD compares: African/African-American, 0.0013%; no homozygotes.

Submission:

Ambry Genetics
Classification: Uncertain significance. Last evaluated: 2026-06-14. Review status: criteria provided, single submitter. Criteria: Ambry Variant Classification Scheme 2023. Collection method: clinical testing. Allele origin: germline.
Comment: The p.H187R variant (also known as c.560A>G), located in coding exon 5 of the PKP4 gene, results from an A to G substitution at nucleotide position 560. The histidine at codon 187 is replaced by arginine, an amino acid with highly similar properties. This amino acid position is conserved. In addition, this alteration is predicted to be tolerated by in silico analysis. Based on the available evidence, the clinical significance of this variant remains unclear.